The following is an entry in ClinVar:

ClinVar aggregate classification (germline): Pathogenic (1 of 4 stars; one submission).

Conditions:
Congenital myasthenic syndrome 9. Also called: Myasthenic syndrome, congenital, 9, associated with acetylcholine receptor deficiency. Identifiers: Orphanet 590, MedGen C4225368, MONDO:0014587, OMIM 616325.
Fetal akinesia deformation sequence 1 (FADS1). Also called: Pena-Shokeir syndrome type I; Fetal akinesia sequence. Identifiers: Orphanet 994, MedGen C1276035, MONDO:0100101, OMIM 208150, HP:0001989.

Submission:

Labcorp Genetics (formerly Invitae), Labcorp
Classification: Pathogenic for Congenital myasthenic syndrome 9; Fetal akinesia deformation sequence 1. Last evaluated: 2023-02-23. Review status: criteria provided, single submitter. Criteria: Invitae Variant Classification Sherloc (09022015). Collection method: clinical testing. Allele origin: unknown.
Comment: This variant is a gross deletion of the genomic region encompassing exon(s) 3 of the MUSK gene. This deletion is out-of-frame, and is expected to create a premature termination codon and result in an absent or disrupted protein product. Loss-of-function variants in MUSK are known to be pathogenic (PMID: 8653786, 25612909, 25695962, 25900532). A similar copy number variant has been observed in individual(s) with MUSK-related conditions (PMID: 29947050). For these reasons, this variant has been classified as Pathogenic.

Literature cited by the submitters: PubMed 8653786; PubMed 25612909; PubMed 25695962; PubMed 25900532; PubMed 29947050.

NC_000009.11:g.(?_113449377)_(113449568_?)del

Gene: MUSK (muscle associated receptor tyrosine kinase; plus strand). Cytogenetic location: 9q31.3.
Variant type: Deletion.
Identifiers: ClinVar variation 3245263 (VCV003245263.1).